The following is an entry in ClinVar:

NM_000377.3(WAS):c.1338+8C>T

Gene: WAS (WASP actin nucleation promoting factor; plus strand). Cytogenetic location: Xp11.23.
Variant type: single nucleotide variant.
Coding change: c.1338+8C>T on transcript NM_000377.3 (MANE Select); 8 bases into the intron after coding-DNA position 1338, C replaced by T.
Molecular consequence: intron variant.
Genome position (GRCh38, 1-based): chrX:48,689,074, C>T. VCF-style: chrX-48689074-C-T. GRCh37 (hg19) VCF-style: chrX-48547463-C-T.
Identifiers: ClinVar variation 1079582 (VCV001079582.26), dbSNP rs782158640, ClinGen allele CA10404074.
Genomic context (GRCh38, chrX:48,689,074, plus strand): 5'-GGGGTCGGGGAGCGCTTTTGGATCAAATCCGGCAGGGAATTCAGCTGAACAAGGTGAGGA[C>T]AGGCAGGATGGAGGATTGGGGGTCTAGGACTCTGGGGTGTCCCGTCTAAGTCAGGATACT-3'

ClinVar aggregate classification (germline): Conflicting classifications of pathogenicity. Review status: criteria provided, conflicting classifications (1 of 4 stars). 2 submissions from 2 submitters: Uncertain significance (1); Likely benign (1). Last evaluated 2024-07-01.

Conditions:
X-linked severe congenital neutropenia (SCNX). Identifiers: Orphanet 86788, MedGen C1845987, MONDO:0010294, OMIM 300299.
Thrombocytopenia 1. Also called: THROMBOCYTOPENIA, X-LINKED, 1; X-linked thrombocytopenia with normal platelets; X-Linked Thrombocytopenia (XLT). Identifiers: Orphanet 268322, Orphanet 852, MedGen C1839163, MONDO:0010743, OMIM 313900.
Wiskott-Aldrich syndrome (WAS). Also called: WISKOTT-ALDRICH SYNDROME 1; ALDRICH SYNDROME; IMMUNODEFICIENCY 2; Wiskott-aldrich syndrome, somatic. Identifiers: Orphanet 906, MedGen C0043194, MONDO:0010518, OMIM 301000.

Allele frequency attached by ClinVar (database versions not stated): gnomAD exomes below 0.00001 and 0.00001; ExAC 0.00002.
gnomAD v4.1: 1 of 1,196,293 alleles (0.000084%); highest among the groups gnomAD compares: Non-Finnish European, 0.00011%; no homozygotes.

Submissions (2):

CeGaT Center for Human Genetics Tuebingen
Classification: Uncertain significance. Last evaluated: 2024-07-01. Review status: criteria provided, single submitter. Criteria: CeGaT Center For Human Genetics Tuebingen Variant Classification Criteria Version 2. Collection method: clinical testing. Allele origin: germline. Affected: yes. Observed: 1 variant allele.
Comment: WAS: PM2, BP4

Labcorp Genetics (formerly Invitae), Labcorp
Classification: Likely benign for Wiskott-Aldrich syndrome; X-linked severe congenital neutropenia; Thrombocytopenia 1. Last evaluated: 2020-08-19. Review status: criteria provided, single submitter. Criteria: Invitae Variant Classification Sherloc (09022015). Collection method: clinical testing. Allele origin: germline.